The following is an entry in ClinVar:

NM_006231.4(POLE):c.4772G>A (p.Trp1591Ter)

Gene: POLE (DNA polymerase epsilon, catalytic subunit; minus strand). Cytogenetic location: 12q24.33.
Variant type: single nucleotide variant.
Coding change: c.4772G>A on transcript NM_006231.4 (MANE Select); coding-DNA position 4772, G replaced by A.
Protein change: p.Trp1591Ter; replaces tryptophan 1591 with a stop codon.
Molecular consequence: nonsense.
Genome position (GRCh38, 1-based): chr12:132,642,686, C>T on the plus strand (G>A on the coding strand, the complement: POLE is on the minus strand). VCF-style: chr12-132642686-C-T. GRCh37 (hg19) VCF-style: chr12-133219272-C-T.
Other names: short protein forms W1591*.
Identifiers: ClinVar variation 4716953 (VCV004716953.1).
Genomic context (GRCh38, chr12:132,642,686, plus strand): 5'-ATAGGCACCAGTGGGAATTCCTCCAAGACAGGAATTTCACTGGCCAGCCTCTTCAGCTCC[C>T]AGCTGGACTGAACAGCGATGAGTGTGGGCCCCCGGCGCTCCTCCTGGGTCAAGGCAAAAT-3'

ClinVar aggregate classification (germline): Pathogenic (1 of 4 stars; one submission).

gnomAD v4.1: 1 of 1,613,932 alleles (0.000062%); highest among the groups gnomAD compares: Non-Finnish European, 0.000085%; no homozygotes.

Submission:

Labcorp Genetics (formerly Invitae), Labcorp
Classification: Pathogenic. Last evaluated: 2025-04-09. Review status: criteria provided, single submitter. Criteria: Invitae Variant Classification Sherloc (09022015). Collection method: clinical testing. Allele origin: germline.
Comment: This sequence change creates a premature translational stop signal (p.Trp1591*) in the POLE gene. It is expected to result in an absent or disrupted protein product. Loss-of-function variants in POLE are known to be pathogenic (PMID: 23230001, 25948378, 30503519). This variant is present in population databases (rs751256191, gnomAD 0.005%). This variant has not been reported in the literature in individuals affected with POLE-related conditions. For these reasons, this variant has been classified as Pathogenic.

Literature cited by the submitters: PubMed 23230001; PubMed 25948378; PubMed 30503519.